The following is an entry in ClinVar:

NM_002734.5(PRKAR1A):c.523del (p.Tyr175fs)

Gene: PRKAR1A (protein kinase cAMP-dependent type I regulatory subunit alpha; plus strand). Cytogenetic location: 17q24.2.
Variant type: Deletion.
Coding change: c.523del on transcript NM_002734.5 (MANE Select); coding-DNA position 523, one base deleted (T; older notation c.523delT).
Protein change: p.Tyr175fs; shifts the reading frame from tyrosine 175.
Molecular consequence: frameshift variant.
Genome position (GRCh38, 1-based): chr17:68,524,932, T deleted. VCF-style (leftmost placement, unchanged base first): chr17-68524931-CT-C. GRCh37 (hg19) VCF-style: chr17-66521072-CT-C.
Other names: c.523del, p.Tyr175fs (NM_001276289.2, NM_001276290.1, NM_001278433.2 and 4 more transcripts); short protein forms Y175fs.
Identifiers: ClinVar variation 817260 (VCV000817260.1), dbSNP rs1600484162, ClinGen allele CA915952208.

ClinVar aggregate classification (germline): Likely pathogenic (1 of 4 stars; one submission).

Submission:

GeneDx
Classification: Likely pathogenic. Last evaluated: 2018-09-26. Review status: criteria provided, single submitter. Criteria: GeneDx Variant Classification (06012015). Collection method: clinical testing. Allele origin: germline. Affected: yes.
Comment: The c.523delT pathogenic variant in the PRKAR1A1 gene causes a frameshift starting with codon Tyrosine 175, changes this amino acid to a Methionine residue and creates a premature Stop codon at position 2 of the new reading frame, denoted p.Tyr175MetfsX2. This pathogenic variant is predicted to cause loss of normal protein function either through protein truncation or nonsense-mediated mRNA decay. We classify this variant as likely pathogenic.